The following is an entry in ClinVar:

NM_001291303.3(FAT4):c.3532A>G (p.Thr1178Ala)

Gene: FAT4 (FAT atypical cadherin 4; plus strand). Cytogenetic location: 4q28.1.
Variant type: single nucleotide variant.
Coding change: c.3532A>G on transcript NM_001291303.3 (MANE Select); coding-DNA position 3532, A replaced by G.
Protein change: p.Thr1178Ala; replaces threonine 1178 with alanine.
Molecular consequence: missense variant.
Genome position (GRCh38, 1-based): chr4:125,319,943, A>G. VCF-style: chr4-125319943-A-G. GRCh37 (hg19) VCF-style: chr4-126241098-A-G.
Other names: c.3532A>G, p.Thr1178Ala (NM_001291285.3, NM_024582.6); short protein forms T1178A.
Identifiers: ClinVar variation 1512250 (VCV001512250.7), dbSNP rs1043570092, ClinGen allele CA104866324.

ClinVar aggregate classification (germline): Uncertain significance (1 of 4 stars; one submission).

Allele frequency attached by ClinVar (database versions not stated): gnomAD exomes below 0.00001; TOPMed below 0.00001; gnomAD 0.00001.
gnomAD v4.1: 3 of 1,613,464 alleles (0.00019%); highest among the groups gnomAD compares: Non-Finnish European, 0.00025%; no homozygotes.

Submission:

Labcorp Genetics (formerly Invitae), Labcorp
Classification: Uncertain significance. Last evaluated: 2021-05-31. Review status: criteria provided, single submitter. Criteria: Invitae Variant Classification Sherloc (09022015). Collection method: clinical testing. Allele origin: germline.
Comment: Advanced modeling of protein sequence and biophysical properties (such as structural, functional, and spatial information, amino acid conservation, physicochemical variation, residue mobility, and thermodynamic stability) performed at Invitae indicates that this missense variant is not expected to disrupt FAT4 protein function. In summary, the available evidence is currently insufficient to determine the role of this variant in disease. Therefore, it has been classified as a Variant of Uncertain Significance. This variant has not been reported in the literature in individuals with FAT4-related conditions. This sequence change replaces threonine with alanine at codon 1178 of the FAT4 protein (p.Thr1178Ala). The threonine residue is highly conserved and there is a small physicochemical difference between threonine and alanine. This variant is not present in population databases (ExAC no frequency).